The following is an entry in ClinVar:

NM_016008.4(DYNC2LI1):c.127-1G>T

Gene: DYNC2LI1 (dynein cytoplasmic 2 light intermediate chain 1; plus strand). Cytogenetic location: 2p21.
Variant type: single nucleotide variant.
Coding change: c.127-1G>T on transcript NM_016008.4 (MANE Select); the canonical splice acceptor site of the intron before coding-DNA position 127, G replaced by T.
Molecular consequence: splice acceptor variant.
Genome position (GRCh38, 1-based): chr2:43,783,519, G>T. VCF-style: chr2-43783519-G-T. GRCh37 (hg19) VCF-style: chr2-44010658-G-T.
Other names: c.127-1G>T (NM_001348913.2, NM_001348912.2, NM_001193464.2 and 1 more transcripts).
Identifiers: ClinVar variation 4716072 (VCV004716072.1).

ClinVar aggregate classification (germline): Likely pathogenic (1 of 4 stars; one submission).

Submission:

Labcorp Genetics (formerly Invitae), Labcorp
Classification: Likely pathogenic. Last evaluated: 2025-04-02. Review status: criteria provided, single submitter. Criteria: Invitae Variant Classification Sherloc (09022015). Collection method: clinical testing. Allele origin: germline.
Comment: This sequence change affects an acceptor splice site in intron 2 of the DYNC2LI1 gene. It is expected to disrupt RNA splicing. Variants that disrupt the donor or acceptor splice site typically lead to a loss of protein function (PMID: 16199547), and loss-of-function variants in DYNC2LI1 are known to be pathogenic (PMID: 26077881, 26130459). This variant is not present in population databases (gnomAD no frequency). This variant has not been reported in the literature in individuals affected with DYNC2LI1-related conditions. Algorithms developed to predict the effect of sequence changes on RNA splicing suggest that this variant may disrupt the consensus splice site. In summary, the currently available evidence indicates that the variant is pathogenic, but additional data are needed to prove that conclusively. Therefore, this variant has been classified as Likely Pathogenic.

Literature cited by the submitters: PubMed 16199547; PubMed 26077881; PubMed 26130459.